The following is an entry in ClinVar:

ClinVar aggregate classification (germline): Uncertain significance (1 of 4 stars; one submission).

Submission:

Ambry Genetics
Classification: Uncertain significance. Last evaluated: 2025-08-20. Review status: criteria provided, single submitter. Criteria: Ambry Variant Classification Scheme 2023. Collection method: clinical testing. Allele origin: germline.
Comment: The p.T575S variant (also known as c.1723A>T), located in coding exon 12 of the RINT1 gene, results from an A to T substitution at nucleotide position 1723. The threonine at codon 575 is replaced by serine, an amino acid with similar properties. This amino acid position is conserved. In addition, this alteration is predicted to be tolerated by in silico analysis. Based on the available evidence, the clinical significance of this variant remains unclear.

NM_021930.6(RINT1):c.1723A>T (p.Thr575Ser)

Gene: RINT1 (RAD50 interactor 1; plus strand). Cytogenetic location: 7q22.3.
Variant type: single nucleotide variant.
Coding change: c.1723A>T on transcript NM_021930.6 (MANE Select); coding-DNA position 1723, A replaced by T.
Protein change: p.Thr575Ser; replaces threonine 575 with serine.
Molecular consequence: missense variant. On other transcripts: non-coding transcript variant (1).
Genome position (GRCh38, 1-based): chr7:105,563,784, A>T. VCF-style: chr7-105563784-A-T. GRCh37 (hg19) VCF-style: chr7-105204231-A-T.
Other names: c.1489A>T, p.Thr497Ser (NM_001346599.2); c.700A>T, p.Thr234Ser (NM_001346600.2, NM_001346603.2); c.799A>T, p.Thr267Ser (NM_001346601.2); short protein forms T267S, T497S, T234S, T575S.
Identifiers: ClinVar variation 4154622 (VCV004154622.1).